The following is an entry in ClinVar:

NM_015311.3(OBSL1):c.600G>A (p.Arg200=)

Gene: OBSL1 (obscurin like cytoskeletal adaptor 1; minus strand). Cytogenetic location: 2q35.
Variant type: single nucleotide variant.
Coding change: c.600G>A on transcript NM_015311.3 (MANE Select); coding-DNA position 600, G replaced by A.
Protein change: p.Arg200=; no amino-acid change (arginine 200 retained).
Molecular consequence: synonymous variant.
Genome position (GRCh38, 1-based): chr2:219,570,633, C>T on the plus strand (G>A on the coding strand, the complement: OBSL1 is on the minus strand). VCF-style: chr2-219570633-C-T. GRCh37 (hg19) VCF-style: chr2-220435355-C-T.
Other names: c.600G>A, p.Arg200= (NM_001173408.2, NM_001173431.2).
Identifiers: ClinVar variation 193383 (VCV000193383.17), dbSNP rs373739744, ClinGen allele CA200542.

ClinVar aggregate classification (germline): Benign. Review status: criteria provided, multiple submitters, no conflicts (2 of 4 stars). 3 submissions from 3 submitters: Benign (3). Last evaluated 2026-01-28.

Conditions:
3M syndrome 2. Also called: 3-M Syndrome, OBSL1-Related; THREE M SYNDROME 2. Identifiers: Orphanet 2616, MedGen C2752041, MONDO:0013039, OMIM 612921.

Allele frequency attached by ClinVar (database versions not stated): gnomAD 0.00001 and 0.00071; TOPMed 0.00011; gnomAD exomes 0.00109 and 0.00361; 1000 Genomes Project 30x 0.00375; 1000 Genomes Project 0.00399; ExAC 0.01142.
gnomAD v4.1: 1,589 of 1,511,244 alleles (0.11%); highest among the groups gnomAD compares: South Asian, 1.9%; 32 homozygotes.

Submissions (3):

Labcorp Genetics (formerly Invitae), Labcorp
Classification: Benign. Last evaluated: 2026-01-28. Review status: criteria provided, single submitter. Criteria: Invitae Variant Classification Sherloc (09022015). Collection method: clinical testing. Allele origin: germline.

Illumina Laboratory Services, Illumina
Classification: Benign for 3M syndrome 2. Last evaluated: 2018-01-13. Review status: criteria provided, single submitter. Criteria: ICSL Variant Classification Criteria 13 December 2019. Collection method: clinical testing. Allele origin: germline.
Comment: This variant was observed in the ICSL laboratory as part of a predisposition screen in an ostensibly healthy population. It had not been previously curated by ICSL or reported in the Human Gene Mutation Database (HGMD: prior to June 1st, 2018), and was therefore a candidate for classification through an automated scoring system. Utilizing variant allele frequency, disease prevalence and penetrance estimates, and inheritance mode, an automated score was calculated to assess if this variant is too frequent to cause the disease. Based on the score and internal cut-off values, a variant classified as benign is not then subjected to further curation. The score for this variant resulted in a classification of benign for this disease.

Eurofins Ntd Llc (ga)
Classification: Benign. Last evaluated: 2014-12-12. Review status: criteria provided, single submitter. Criteria: EGL Classification Definitions 2015. Collection method: clinical testing. Allele origin: germline. Observed: 1 variant allele, 1 heterozygote.